The following is an entry in ClinVar:

NM_001375.3(DNASE2):c.288T>G (p.Asn96Lys)

Gene: DNASE2 (deoxyribonuclease 2, lysosomal; minus strand). Cytogenetic location: 19p13.13.
Variant type: single nucleotide variant.
Coding change: c.288T>G on transcript NM_001375.3 (MANE Select); coding-DNA position 288, T replaced by G.
Protein change: p.Asn96Lys; replaces asparagine 96 with lysine.
Molecular consequence: missense variant.
Genome position (GRCh38, 1-based): chr19:12,880,860, A>C on the plus strand (T>G on the coding strand, the complement: DNASE2 is on the minus strand). VCF-style: chr19-12880860-A-C. GRCh37 (hg19) VCF-style: chr19-12991674-A-C.
Other names: short protein forms N96K.
Identifiers: ClinVar variation 2003144 (VCV002003144.4), dbSNP rs1970372268, ClinGen allele CA404302360.
Genomic context (GRCh38, chr19:12,880,860, plus strand): 5'-ACCCTTCGTGTGCCCACGCATGGAAGAGTCCTGAGCCTTGCTGGGTTGAGGCGGTTGGTC[A>C]TTGTAGAGCAGGAAGGCGAGCTGCGGGCGGATAAACGGAGGCAACGTGAAATTCCTCCCA-3'
Protein context (NP_001366.1, residues 86-106): NTSQLAFLLY[Asn96Lys]DQPPQPSKAQ

ClinVar aggregate classification (germline): Uncertain significance (1 of 4 stars; one submission).

Allele frequency attached by ClinVar (database versions not stated): TOPMed below 0.00001.

Submission:

Labcorp Genetics (formerly Invitae), Labcorp
Classification: Uncertain significance. Last evaluated: 2025-05-12. Review status: criteria provided, single submitter. Criteria: Invitae Variant Classification Sherloc (09022015). Collection method: clinical testing. Allele origin: germline.
Comment: This sequence change replaces asparagine, which is neutral and polar, with lysine, which is basic and polar, at codon 96 of the DNASE2 protein (p.Asn96Lys). This variant is not present in population databases (gnomAD no frequency). This variant has not been reported in the literature in individuals affected with DNASE2-related conditions. ClinVar contains an entry for this variant (Variation ID: 2003144). An algorithm developed to predict the effect of missense changes on protein structure and function (PolyPhen-2) suggests that this variant is likely to be disruptive. In summary, the available evidence is currently insufficient to determine the role of this variant in disease. Therefore, it has been classified as a Variant of Uncertain Significance.